The following is an entry in ClinVar:

NM_000124.4(ERCC6):c.3758A>G (p.Glu1253Gly)

Gene: ERCC6 (ERCC excision repair 6, chromatin remodeling factor; minus strand). Cytogenetic location: 10q11.23.
Variant type: single nucleotide variant.
Coding change: c.3758A>G on transcript NM_000124.4 (MANE Select); coding-DNA position 3758, A replaced by G.
Protein change: p.Glu1253Gly; replaces glutamic acid 1253 with glycine.
Molecular consequence: missense variant.
Genome position (GRCh38, 1-based): chr10:49,470,202, T>C on the plus strand (A>G on the coding strand, the complement: ERCC6 is on the minus strand). VCF-style: chr10-49470202-T-C. GRCh37 (hg19) VCF-style: chr10-50678248-T-C.
Other names: c.3758A>G, p.Glu1253Gly (NM_001346440.2); short protein forms E1253G.
Identifiers: ClinVar variation 1994058 (VCV001994058.4), dbSNP rs2495970386, ClinGen allele CA376712399.

ClinVar aggregate classification (germline): Uncertain significance (1 of 4 stars; one submission).

Submission:

Labcorp Genetics (formerly Invitae), Labcorp
Classification: Uncertain significance. Last evaluated: 2022-05-21. Review status: criteria provided, single submitter. Criteria: Invitae Variant Classification Sherloc (09022015). Collection method: clinical testing. Allele origin: germline.
Comment: In summary, the available evidence is currently insufficient to determine the role of this variant in disease. Therefore, it has been classified as a Variant of Uncertain Significance. Algorithms developed to predict the effect of missense changes on protein structure and function (SIFT, PolyPhen-2, Align-GVGD) all suggest that this variant is likely to be disruptive. This variant has not been reported in the literature in individuals affected with ERCC6-related conditions. This variant is not present in population databases (gnomAD no frequency). This sequence change replaces glutamic acid, which is acidic and polar, with glycine, which is neutral and non-polar, at codon 1253 of the ERCC6 protein (p.Glu1253Gly).